The following is an entry in ClinVar:

NM_025265.4(TSEN2):c.1099+1G>A

Gene: TSEN2 (tRNA splicing endonuclease subunit 2; plus strand). Cytogenetic location: 3p25.2.
Variant type: single nucleotide variant.
Coding change: c.1099+1G>A on transcript NM_025265.4 (MANE Select); the canonical splice donor site of the intron after coding-DNA position 1099, G replaced by A.
Molecular consequence: splice donor variant.
Genome position (GRCh38, 1-based): chr3:12,519,198, G>A. VCF-style: chr3-12519198-G-A. GRCh37 (hg19) VCF-style: chr3-12560697-G-A.
Other names: c.1099+1G>A (NM_001321278.2, NM_001145392.2, NM_001321277.2); c.1021+1G>A (NM_001321279.2, NM_001145393.3); c.922+1G>A (NM_001145394.2).
Identifiers: ClinVar variation 1428757 (VCV001428757.7), dbSNP rs149417061, ClinGen allele CA2258708.

ClinVar aggregate classification (germline): Likely pathogenic. Review status: criteria provided, multiple submitters, no conflicts (2 of 4 stars). 2 submissions from 2 submitters: Likely pathogenic (2). Last evaluated 2025-10-09.

Conditions:
Pontoneocerebellar hypoplasia. Also called: Pontocerebellar hypoplasia; Non-syndromic pontocerebellar hypoplasia. Identifiers: Orphanet 98523, MedGen C1261175, MONDO:0020135.

Allele frequency attached by ClinVar (database versions not stated): gnomAD 0.00004 and 0.00005; ESP Exome Variant Server 0.00008; 1000 Genomes Project 0.00020; 1000 Genomes Project 30x 0.00031.
gnomAD v4.1: 74 of 1,614,186 alleles (0.0046%); highest among the groups gnomAD compares: South Asian, 0.018%; no homozygotes.

Submissions (2):

Labcorp Genetics (formerly Invitae), Labcorp
Classification: Likely pathogenic. Last evaluated: 2025-10-09. Review status: criteria provided, single submitter. Criteria: Invitae Variant Classification Sherloc (09022015). Collection method: clinical testing. Allele origin: germline.
Comment: This sequence change affects a donor splice site in intron 8 of the TSEN2 gene. It is expected to disrupt RNA splicing. Variants that disrupt the donor or acceptor splice site typically lead to a loss of protein function (PMID: 16199547), and loss-of-function variants in TSEN2 are known to be pathogenic (PMID: 38438125, 20952379). This variant is present in population databases (rs149417061, gnomAD 0.02%). This variant has not been reported in the literature in individuals affected with TSEN2-related conditions. ClinVar contains an entry for this variant (Variation ID: 1428757). Algorithms developed to predict the effect of sequence changes on RNA splicing suggest that this variant may disrupt the consensus splice site. In summary, the currently available evidence indicates that the variant is pathogenic, but additional data are needed to prove that conclusively. Therefore, this variant has been classified as Likely Pathogenic.

Women's Health and Genetics/Laboratory Corporation of America, LabCorp
Classification: Likely pathogenic for Pontoneocerebellar hypoplasia. Last evaluated: 2022-09-07. Review status: criteria provided, single submitter. Criteria: LabCorp Variant Classification Summary - May 2015. Collection method: clinical testing. Allele origin: germline.
Comment: Variant summary: TSEN2 c.1099+1G>A is located in a canonical splice-site and is predicted to affect mRNA splicing resulting in a significantly altered protein due to either exon skipping, shortening, or inclusion of intronic material. Several computational tools predict a significant impact on normal splicing: Four predict the variant abolishes the canonical 5' splicing donor site. However, these predictions have yet to be confirmed by functional studies. The variant allele was found at a frequency of 5.6e-05 in 251492 control chromosomes. This frequency is not significantly higher than expected for a pathogenic variant in TSEN2 causing Pontocerebellar Hypoplasia, Type 2B (5.6e-05 vs 0.0011). To our knowledge, no occurrence of c.1099+1G>A in individuals affected with Pontocerebellar Hypoplasia, Type 2B and no experimental evidence demonstrating its impact on protein function have been reported. One clinical diagnostic laboratory has submitted clinical-significance assessments for this variant to ClinVar after 2014 without evidence for independent evaluation, classifying it as a variant of uncertain significance. Based on the evidence outlined above, the variant was classified as a variant of likely pathogenic.

Literature cited by the submitters: PubMed 16199547 (cited by Labcorp Genetics (formerly Invitae), Labcorp); PubMed 38438125 (cited by Labcorp Genetics (formerly Invitae), Labcorp); PubMed 20952379 (cited by Labcorp Genetics (formerly Invitae), Labcorp).